The following is an entry in ClinVar:

NM_001035.3(RYR2):c.2044A>G (p.Thr682Ala)

Gene: RYR2 (ryanodine receptor 2; plus strand). Cytogenetic location: 1q43.
Variant type: single nucleotide variant.
Coding change: c.2044A>G on transcript NM_001035.3 (MANE Select); coding-DNA position 2044, A replaced by G.
Protein change: p.Thr682Ala; replaces threonine 682 with alanine.
Molecular consequence: missense variant.
Genome position (GRCh38, 1-based): chr1:237,496,593, A>G. VCF-style: chr1-237496593-A-G. GRCh37 (hg19) VCF-style: chr1-237659893-A-G.
Other names: short protein forms T682A.
Identifiers: ClinVar variation 3072864 (VCV003072864.1), dbSNP rs2545835676, ClinGen allele CA345391514.

ClinVar aggregate classification (germline): Uncertain significance (1 of 4 stars; one submission).

Conditions:
Catecholaminergic polymorphic ventricular tachycardia (CVPT). Also called: Catecholamine-induced polymorphic ventricular tachycardia. Identifiers: Orphanet 3286, MedGen C5574922, MONDO:0017990.

Submission:

All of Us Research Program, National Institutes of Health
Classification: Uncertain significance for Catecholaminergic polymorphic ventricular tachycardia. Last evaluated: 2023-08-15. Review status: criteria provided, single submitter. Criteria: ACMG Guidelines, 2015. Collection method: clinical testing. Allele origin: germline. Inheritance: Autosomal dominant inheritance. Observed: 1 variant allele, 1 heterozygote.
Comment: This missense variant replaces threonine with alanine at codon 682 of the RYR2 protein. Computational prediction suggests that this variant may not impact protein structure and function (internally defined REVEL score threshold <= 0.5, PMID: 27666373). To our knowledge, functional studies have not been reported for this variant. This variant has not been reported in individuals affected with RYR2-related disorders in the literature. This variant has not been identified in the general population by the Genome Aggregation Database (gnomAD). The available evidence is insufficient to determine the role of this variant in disease conclusively. Therefore, this variant is classified as a Variant of Uncertain Significance.

This study involves interpretation of variants in research participants for the purpose of population health screening. Participant phenotype was not available at the time of variant classification. Additional details can be found in publication PMID: 35346344, PMCID: PMC8962531